The following is an entry in ClinVar:

NM_017838.4(NHP2):c.115G>A (p.Ala39Thr)

Gene: NHP2 (NHP2 ribonucleoprotein; minus strand). Cytogenetic location: 5q35.3.
Variant type: single nucleotide variant.
Coding change: c.115G>A on transcript NM_017838.4 (MANE Select); coding-DNA position 115, G replaced by A.
Protein change: p.Ala39Thr; replaces alanine 39 with threonine.
Molecular consequence: missense variant.
Genome position (GRCh38, 1-based): chr5:178,153,703, C>T on the plus strand (G>A on the coding strand, the complement: NHP2 is on the minus strand). VCF-style: chr5-178153703-C-T. GRCh37 (hg19) VCF-style: chr5-177580704-C-T.
Other names: p.Ala39Thr; c.115G>A, p.Ala39Thr (NM_001034833.2, NM_001396110.1); short protein forms A39T.
Identifiers: ClinVar variation 2038878 (VCV002038878.2), dbSNP rs559884313, ClinGen allele CA3589283.

ClinVar aggregate classification (germline): Uncertain significance. Review status: criteria provided, multiple submitters, no conflicts (2 of 4 stars). 2 submissions from 2 submitters: Uncertain significance (2). Last evaluated 2025-10-14.

Conditions:
Dyskeratosis congenita. Identifiers: Orphanet 1775, MedGen C0265965, MONDO:0015780.

Allele frequency attached by ClinVar (database versions not stated): gnomAD 0.00003; gnomAD exomes 0.00003; TOPMed 0.00003; ExAC 0.00006.

Submissions (2):

Mayo Clinic Laboratories, Mayo Clinic
Classification: Uncertain significance. Last evaluated: 2025-10-14. Review status: criteria provided, single submitter. Criteria: ACMG Guidelines, 2015. Collection method: clinical testing. Allele origin: germline. Observed: 1 variant allele.
Comment: PS3_supporting

Labcorp Genetics (formerly Invitae), Labcorp
Classification: Uncertain significance for Dyskeratosis congenita. Last evaluated: 2022-09-06. Review status: criteria provided, single submitter. Criteria: Invitae Variant Classification Sherloc (09022015). Collection method: clinical testing. Allele origin: germline.
Comment: This sequence change replaces alanine, which is neutral and non-polar, with threonine, which is neutral and polar, at codon 39 of the NHP2 protein (p.Ala39Thr). This variant is present in population databases (rs559884313, gnomAD 0.01%). This variant has not been reported in the literature in individuals affected with NHP2-related conditions. Algorithms developed to predict the effect of missense changes on protein structure and function are either unavailable or do not agree on the potential impact of this missense change (SIFT: "Deleterious"; PolyPhen-2: "Probably Damaging"; Align-GVGD: "Class C0"). In summary, the available evidence is currently insufficient to determine the role of this variant in disease. Therefore, it has been classified as a Variant of Uncertain Significance.

Literature cited by the submitters: PubMed 37440454 (cited by Mayo Clinic Laboratories, Mayo Clinic); PubMed 40073202 (cited by Mayo Clinic Laboratories, Mayo Clinic).